The following is an entry in ClinVar:

NM_001035.3(RYR2):c.9052A>G (p.Arg3018Gly)

Gene: RYR2 (ryanodine receptor 2; plus strand). Cytogenetic location: 1q43.
Variant type: single nucleotide variant.
Coding change: c.9052A>G on transcript NM_001035.3 (MANE Select); coding-DNA position 9052, A replaced by G.
Protein change: p.Arg3018Gly; replaces arginine 3018 with glycine.
Molecular consequence: missense variant.
Genome position (GRCh38, 1-based): chr1:237,687,489, A>G. VCF-style: chr1-237687489-A-G. GRCh37 (hg19) VCF-style: chr1-237850789-A-G.
Other names: short protein forms R3018G.
Identifiers: ClinVar variation 841771 (VCV000841771.12), dbSNP rs748968052, ClinGen allele CA087819.

ClinVar aggregate classification (germline): Uncertain significance. Review status: criteria provided, multiple submitters, no conflicts (2 of 4 stars). 3 submissions from 3 submitters: Uncertain significance (3). Last evaluated 2025-06-30.

Conditions:
Cardiovascular phenotype. Identifiers: MedGen CN230736.
Cardiomyopathy (CMYO). Also called: Cardiomyopathies. Identifiers: Orphanet 167848, MedGen C0878544, MONDO:0004994, HP:0001638. Inheritance: Various modes of inheritance.
Catecholaminergic polymorphic ventricular tachycardia 1. Also called: VENTRICULAR TACHYCARDIA, CATECHOLAMINERGIC POLYMORPHIC, 1, WITH OR WITHOUT ATRIAL DYSFUNCTION AND/OR DILATED CARDIOMYOPATHY; VENTRICULAR TACHYCARDIA, STRESS-INDUCED POLYMORPHIC 1; RYR2-Related Catecholaminergic Polymorphic Ventricular Tachycardia. Identifiers: Orphanet 3286, MedGen C1631597, MONDO:0011484, OMIM 604772.

Allele frequency attached by ClinVar (database versions not stated): gnomAD exomes 0.00001 and 0.00002; ExAC 0.00002.
gnomAD v4.1: 29 of 1,606,486 alleles (0.0018%); highest among the groups gnomAD compares: Non-Finnish European, 0.0024%; no homozygotes.

Submissions (3):

Color Diagnostics, LLC DBA Color Health
Classification: Uncertain significance for Cardiomyopathy. Last evaluated: 2025-06-30. Review status: criteria provided, single submitter. Criteria: ACMG Guidelines, 2015. Collection method: clinical testing. Allele origin: germline.
Comment: This missense variant replaces arginine with glycine at codon 3018 of the RYR2 protein. Computational prediction suggests that this variant may have deleterious impact on protein structure and function. To our knowledge, functional studies have not been reported for this variant. This variant has not been reported in individuals affected with RYR2-related disorders in the literature. This variant has been identified in 3/244638 chromosomes in the general population by the Genome Aggregation Database (gnomAD). The available evidence is insufficient to determine the role of this variant in disease conclusively. Therefore, this variant is classified as a Variant of Uncertain Significance.

Labcorp Genetics (formerly Invitae), Labcorp
Classification: Uncertain significance for Catecholaminergic polymorphic ventricular tachycardia 1. Last evaluated: 2023-08-11. Review status: criteria provided, single submitter. Criteria: Invitae Variant Classification Sherloc (09022015). Collection method: clinical testing. Allele origin: germline.
Comment: In summary, the available evidence is currently insufficient to determine the role of this variant in disease. Therefore, it has been classified as a Variant of Uncertain Significance. Advanced modeling of protein sequence and biophysical properties (such as structural, functional, and spatial information, amino acid conservation, physicochemical variation, residue mobility, and thermodynamic stability) performed at Invitae indicates that this missense variant is expected to disrupt RYR2 protein function. ClinVar contains an entry for this variant (Variation ID: 841771). This variant has not been reported in the literature in individuals affected with RYR2-related conditions. The frequency data for this variant in the population databases is considered unreliable, as metrics indicate poor data quality at this position in the gnomAD database. This sequence change replaces arginine, which is basic and polar, with glycine, which is neutral and non-polar, at codon 3018 of the RYR2 protein (p.Arg3018Gly).

Ambry Genetics
Classification: Uncertain significance for Cardiovascular phenotype. Last evaluated: 2023-05-22. Review status: criteria provided, single submitter. Criteria: Ambry Variant Classification Scheme 2023. Collection method: clinical testing. Allele origin: germline.
Comment: The p.R3018G variant (also known as c.9052A>G), located in coding exon 63 of the RYR2 gene, results from an A to G substitution at nucleotide position 9052. The arginine at codon 3018 is replaced by glycine, an amino acid with dissimilar properties. This amino acid position is highly conserved in available vertebrate species. In addition, the in silico prediction for this alteration is inconclusive. Since supporting evidence is limited at this time, the clinical significance of this alteration remains unclear.